The following is an entry in ClinVar:

ClinVar aggregate classification (germline): Uncertain significance (1 of 4 stars; one submission).

Allele frequency attached by ClinVar (database versions not stated): gnomAD exomes below 0.00001.
gnomAD v4.1: 2 of 1,614,086 alleles (0.00012%); highest among the groups gnomAD compares: South Asian, 0.0011%; no homozygotes.

Submission:

GeneDx
Classification: Uncertain significance. Last evaluated: 2019-01-15. Review status: criteria provided, single submitter. Criteria: GeneDx Variant Classification Process June 2021. Collection method: clinical testing. Allele origin: germline. Affected: yes.
Comment: Has not been previously published as pathogenic or benign to our knowledge; Not observed at a significant frequency in large population cohorts (Lek et al., 2016); In silico analysis, which includes protein predictors and evolutionary conservation, supports a deleterious effect

NM_002047.4(GARS1):c.1495C>T (p.Pro499Ser)

Gene: GARS1 (glycyl-tRNA synthetase 1; plus strand). Cytogenetic location: 7p14.3.
Variant type: single nucleotide variant.
Coding change: c.1495C>T on transcript NM_002047.4 (MANE Select); coding-DNA position 1495, C replaced by T.
Protein change: p.Pro499Ser; replaces proline 499 with serine.
Molecular consequence: missense variant.
Genome position (GRCh38, 1-based): chr7:30,622,344, C>T. VCF-style: chr7-30622344-C-T. GRCh37 (hg19) VCF-style: chr7-30661960-C-T.
Other names: c.1333C>T, p.Pro445Ser (NM_001316772.1); short protein forms P445S, P499S.
Identifiers: ClinVar variation 1320886 (VCV001320886.2), dbSNP rs1428449193, ClinGen allele CA367128645.